The following is an entry in ClinVar:

NM_152564.5(VPS13B):c.10403A>G (p.Glu3468Gly)

Gene: VPS13B (vacuolar protein sorting 13 homolog B; plus strand). Cytogenetic location: 8q22.2.
Variant type: single nucleotide variant.
Coding change: c.10403A>G on transcript NM_152564.5 (MANE Select); coding-DNA position 10403, A replaced by G.
Protein change: p.Glu3468Gly; replaces glutamic acid 3468 with glycine.
Molecular consequence: missense variant.
Genome position (GRCh38, 1-based): chr8:99,853,792, A>G. VCF-style: chr8-99853792-A-G. GRCh37 (hg19) VCF-style: chr8-100866020-A-G.
Other names: c.10478A>G, p.Glu3493Gly (NM_017890.5); short protein forms E3493G, E3468G.
Identifiers: ClinVar variation 1488920 (VCV001488920.5), dbSNP rs2130917390, ClinGen allele CA371782735.
Genomic context (GRCh38, chr8:99,853,792, plus strand): 5'-GAGAAAAAGCAGAACCCATTCAGTGTTCCAAAATGCAGAGTCTCCTCATATCCAACAAAG[A>G]GTTGGAAGAATACAAGGAAAAATGTTTTATCAAACTTTGCATCACCTTAAATGAAGGCAA-3'
Protein context (NP_689777.3, residues 3458-3478): KMQSLLISNK[Glu3468Gly]LEEYKEKCFI

ClinVar aggregate classification (germline): Uncertain significance (1 of 4 stars; one submission).

Conditions:
Cohen syndrome (COH1). Also called: PEPPER SYNDROME; Cutis verticis gyrata, retinitis pigmentosa, and sensorineural deafness. Identifiers: Orphanet 193, MedGen C0265223, MONDO:0008999, OMIM 216550.

Submission:

Labcorp Genetics (formerly Invitae), Labcorp
Classification: Uncertain significance for Cohen syndrome. Last evaluated: 2022-03-19. Review status: criteria provided, single submitter. Criteria: Invitae Variant Classification Sherloc (09022015). Collection method: clinical testing. Allele origin: germline.
Comment: In summary, the available evidence is currently insufficient to determine the role of this variant in disease. Therefore, it has been classified as a Variant of Uncertain Significance. Algorithms developed to predict the effect of missense changes on protein structure and function are either unavailable or do not agree on the potential impact of this missense change (SIFT: "Not Available"; PolyPhen-2: "Benign"; Align-GVGD: "Not Available"). This variant has not been reported in the literature in individuals affected with VPS13B-related conditions. This variant is not present in population databases (gnomAD no frequency). This sequence change replaces glutamic acid, which is acidic and polar, with glycine, which is neutral and non-polar, at codon 3493 of the VPS13B protein (p.Glu3493Gly).